The following is an entry in ClinVar:

ClinVar aggregate classification (germline): Uncertain significance (1 of 4 stars; one submission).

Conditions:
RASopathy. Also called: Noonan spectrum disorder; rasopathies. Identifiers: Orphanet 536391, MedGen C5555857, MONDO:0021060.

Allele frequency attached by ClinVar (database versions not stated): gnomAD exomes 0.00001 and below 0.00001; TOPMed below 0.00001.
gnomAD v4.1: 2 of 1,614,126 alleles (0.00012%); highest among the groups gnomAD compares: Admixed American, 0.0033%; no homozygotes.

Submission:

Labcorp Genetics (formerly Invitae), Labcorp
Classification: Uncertain significance for RASopathy. Last evaluated: 2024-03-14. Review status: criteria provided, single submitter. Criteria: Invitae Variant Classification Sherloc (09022015). Collection method: clinical testing. Allele origin: germline.
Comment: This sequence change replaces leucine, which is neutral and non-polar, with serine, which is neutral and polar, at codon 565 of the CBL protein (p.Leu565Ser). This variant is present in population databases (no rsID available, gnomAD 0.003%). This variant has not been reported in the literature in individuals affected with CBL-related conditions. ClinVar contains an entry for this variant (Variation ID: 543973). Advanced modeling of protein sequence and biophysical properties (such as structural, functional, and spatial information, amino acid conservation, physicochemical variation, residue mobility, and thermodynamic stability) performed at Invitae indicates that this missense variant is not expected to disrupt CBL protein function with a negative predictive value of 95%. In summary, the available evidence is currently insufficient to determine the role of this variant in disease. Therefore, it has been classified as a Variant of Uncertain Significance.

NM_005188.4(CBL):c.1694T>C (p.Leu565Ser)

Gene: CBL (Cbl proto-oncogene; plus strand). Cytogenetic location: 11q23.3.
Variant type: single nucleotide variant.
Coding change: c.1694T>C on transcript NM_005188.4 (MANE Select); coding-DNA position 1694, T replaced by C.
Protein change: p.Leu565Ser; replaces leucine 565 with serine.
Molecular consequence: missense variant.
Genome position (GRCh38, 1-based): chr11:119,285,319, T>C. VCF-style: chr11-119285319-T-C. GRCh37 (hg19) VCF-style: chr11-119156029-T-C.
Other names: short protein forms L565S.
Identifiers: ClinVar variation 543973 (VCV000543973.8), dbSNP rs1174693367, ClinGen allele CA382919693.